The following is an entry in ClinVar:

NM_000494.4(COL17A1):c.4156+6T>A

Gene: COL17A1 (collagen type XVII alpha 1 chain; minus strand). Cytogenetic location: 10q25.1.
Variant type: single nucleotide variant.
Coding change: c.4156+6T>A on transcript NM_000494.4 (MANE Select); 6 bases into the intron after coding-DNA position 4156, T replaced by A.
Molecular consequence: intron variant.
Genome position (GRCh38, 1-based): chr10:104,033,939, A>T on the plus strand (T>A on the coding strand, the complement: COL17A1 is on the minus strand). VCF-style: chr10-104033939-A-T. GRCh37 (hg19) VCF-style: chr10-105793697-A-T.
Other names: c.4156+6T>A (NM_000494.3).
Identifiers: ClinVar variation 2078775 (VCV002078775.5), dbSNP rs184917605, ClinGen allele CA5677704.

ClinVar aggregate classification (germline): Uncertain significance. Review status: criteria provided, single submitter (1 of 4 stars). 2 submissions from 2 submitters: Uncertain significance (1). 1 of the submissions does not count toward it. Last evaluated 2024-05-23.

Conditions:
COL17A1-related disorder. Also called: COL17A1-related condition.

Allele frequency attached by ClinVar (database versions not stated): 1000 Genomes Project 30x 0.00062; ExAC 0.00018; gnomAD 0.00043; 1000 Genomes Project 0.00060; gnomAD exomes 0.00005; TOPMed 0.00056; ESP Exome Variant Server 0.00062.
gnomAD v4.1: 139 of 1,614,124 alleles (0.0086%); highest among the groups gnomAD compares: African/African-American, 0.17%; no homozygotes.

Submissions (2):

Labcorp Genetics (formerly Invitae), Labcorp
Classification: Uncertain significance. Last evaluated: 2024-05-23. Review status: criteria provided, single submitter. Criteria: Invitae Variant Classification Sherloc (09022015). Collection method: clinical testing. Allele origin: germline.
Comment: This sequence change falls in intron 52 of the COL17A1 gene. It does not directly change the encoded amino acid sequence of the COL17A1 protein. It affects a nucleotide within the consensus splice site. This variant is present in population databases (rs184917605, gnomAD 0.2%). This variant has not been reported in the literature in individuals affected with COL17A1-related conditions. ClinVar contains an entry for this variant (Variation ID: 2078775). Variants that disrupt the consensus splice site are a relatively common cause of aberrant splicing (PMID: 17576681, 9536098). Algorithms developed to predict the effect of sequence changes on RNA splicing suggest that this variant may disrupt the consensus splice site. In summary, the available evidence is currently insufficient to determine the role of this variant in disease. Therefore, it has been classified as a Variant of Uncertain Significance.

PreventionGenetics, part of Exact Sciences
Classification: Likely benign for COL17A1-related condition. Last evaluated: 2021-04-23. Review status: no assertion criteria provided. Collection method: clinical testing. Allele origin: germline. Not counted in ClinVar's aggregate classification.
Comment: This variant is classified as likely benign based on ACMG/AMP sequence variant interpretation guidelines (Richards et al. 2015 PMID: 25741868, with internal and published modifications).

Literature cited by the submitters: PubMed 17576681 (cited by Labcorp Genetics (formerly Invitae), Labcorp); PubMed 9536098 (cited by Labcorp Genetics (formerly Invitae), Labcorp).